The following is an entry in ClinVar:

NM_021098.3(CACNA1H):c.4195C>T (p.Arg1399Cys)

Gene: CACNA1H (calcium voltage-gated channel subunit alpha1 H; plus strand). Cytogenetic location: 16p13.3.
Variant type: single nucleotide variant.
Coding change: c.4195C>T on transcript NM_021098.3 (MANE Select); coding-DNA position 4195, C replaced by T.
Protein change: p.Arg1399Cys; replaces arginine 1399 with cysteine.
Molecular consequence: missense variant.
Genome position (GRCh38, 1-based): chr16:1,210,943, C>T. VCF-style: chr16-1210943-C-T. GRCh37 (hg19) VCF-style: chr16-1260943-C-T.
Other names: c.4195C>T, p.Arg1399Cys (NM_001005407.2); short protein forms R1399C.
Identifiers: ClinVar variation 863716 (VCV000863716.13), dbSNP rs374596109, ClinGen allele CA7801176.
Genomic context (GRCh38, chr16:1,210,943, plus strand): 5'-ATTGTCGTGGCCATGGCCTCGGCTGGTGGCGCCAAGATCCTGGGTGTTCTGCGCGTGCTG[C>T]GTCTGCTGCGGACCCTGCGGCCTCTGAGGTGGGGGGCTCCCCGTGGGCTCCCGGGGCAAC-3'
Protein context (NP_066921.2, residues 1389-1409): AKILGVLRVL[Arg1399Cys]LLRTLRPLRV

ClinVar aggregate classification (germline): Uncertain significance. Review status: criteria provided, multiple submitters, no conflicts (2 of 4 stars). 2 submissions from 2 submitters: Uncertain significance (2). Last evaluated 2022-08-17.

Conditions:
Idiopathic generalized epilepsy. Also called: Generalised epilepsy; EIG. Identifiers: MedGen C0270850, MONDO:0005579, OMIM 600669.
Hyperaldosteronism, familial, type IV (HALD4). Also called: FH IV; ALDOSTERONISM, PRIMARY, AND HYPERTENSION. Identifiers: Orphanet 642671, MedGen C4310756, MONDO:0014875, OMIM 617027.

Allele frequency attached by ClinVar (database versions not stated): ExAC 0.00001; gnomAD 0.00001; gnomAD exomes 0.00001; TOPMed 0.00001; ESP Exome Variant Server 0.00008.
gnomAD v4.1: 16 of 1,600,124 alleles (0.001%); highest among the groups gnomAD compares: Non-Finnish European, 0.0014%; no homozygotes.

Submissions (2):

GeneDx
Classification: Uncertain significance. Last evaluated: 2022-08-17. Review status: criteria provided, single submitter. Criteria: GeneDx Variant Classification Process June 2021. Collection method: clinical testing. Allele origin: germline. Affected: yes.
Comment: Not observed at significant frequency in large population cohorts (gnomAD); In silico analysis supports that this missense variant has a deleterious effect on protein structure/function; Has not been previously published as pathogenic or benign to our knowledge

Labcorp Genetics (formerly Invitae), Labcorp
Classification: Uncertain significance for Idiopathic generalized epilepsy; Hyperaldosteronism, familial, type IV. Last evaluated: 2021-01-28. Review status: criteria provided, single submitter. Criteria: Invitae Variant Classification Sherloc (09022015). Collection method: clinical testing. Allele origin: germline.
Comment: In summary, the available evidence is currently insufficient to determine the role of this variant in disease. Therefore, it has been classified as a Variant of Uncertain Significance. Algorithms developed to predict the effect of missense changes on protein structure and function (SIFT, PolyPhen-2, Align-GVGD) all suggest that this variant is likely to be disruptive, but these predictions have not been confirmed by published functional studies and their clinical significance is uncertain. This variant has not been reported in the literature in individuals with CACNA1H-related conditions. This variant is present in population databases (rs374596109, ExAC 0.002%). This sequence change replaces arginine with cysteine at codon 1399 of the CACNA1H protein (p.Arg1399Cys). The arginine residue is highly conserved and there is a large physicochemical difference between arginine and cysteine.